The following is an entry in ClinVar:

ClinVar aggregate classification (germline): Likely benign (1 of 4 stars; one submission).

Allele frequency attached by ClinVar (database versions not stated): TOPMed 0.00001.

Submission:

GeneDx
Classification: Likely benign. Last evaluated: 2016-04-13. Review status: criteria provided, single submitter. Criteria: GeneDx Variant Classification (06012015). Collection method: clinical testing. Allele origin: germline. Affected: yes.
Comment: This variant is considered likely benign or benign based on one or more of the following criteria: it is a conservative change, it occurs at a poorly conserved position in the protein, it is predicted to be benign by multiple in silico algorithms, and/or has population frequency not consistent with disease.

NM_014141.6(CNTNAP2):c.2169T>A (p.Pro723=)

Gene: CNTNAP2 (contactin associated protein 2; plus strand). Cytogenetic location: 7q35.
Variant type: single nucleotide variant.
Coding change: c.2169T>A on transcript NM_014141.6 (MANE Select); coding-DNA position 2169, T replaced by A.
Protein change: p.Pro723=; no amino-acid change (proline 723 retained).
Molecular consequence: synonymous variant.
Genome position (GRCh38, 1-based): chr7:147,903,635, T>A. VCF-style: chr7-147903635-T-A. GRCh37 (hg19) VCF-style: chr7-147600727-T-A.
Identifiers: ClinVar variation 385380 (VCV000385380.1), dbSNP rs1057522208, ClinGen allele CA16605150.